The following is an entry in ClinVar:

ClinVar aggregate classification (germline): Uncertain significance. Review status: criteria provided, single submitter (1 of 4 stars). 2 submissions from 2 submitters: Uncertain significance (1). 1 of the submissions does not count toward it. Last evaluated 2024-05-17.

Conditions:
Autosomal recessive limb-girdle muscular dystrophy type 2C (LGMDR5). Also called: MUSCULAR DYSTROPHY, LIMB-GIRDLE, AUTOSOMAL RECESSIVE 5; MUSCULAR DYSTROPHY, DUCHENNE-LIKE. Identifiers: Orphanet 353, MedGen C0410173, MONDO:0009677, OMIM 253700. Disease mechanism: Affects gamma-sarcoglycan and also disrupts the integrity of the entire sarcoglycan complex..

gnomAD v4.1: 2 of 1,612,730 alleles (0.00012%); highest among the groups gnomAD compares: South Asian, 0.0022%; no homozygotes.

Submissions (2):

Women's Health and Genetics/Laboratory Corporation of America, LabCorp
Classification: Uncertain significance. Last evaluated: 2024-05-17. Review status: criteria provided, single submitter. Criteria: LabCorp Variant Classification Summary - May 2015. Collection method: clinical testing. Allele origin: germline.
Comment: Variant summary: SGCG c.12G>T (p.Glu4Asp) results in a conservative amino acid change in the encoded protein sequence. Three of five in-silico tools predict a damaging effect of the variant on protein function. The variant allele was found at a frequency of 8e-06 in 249082 control chromosomes. The available data on variant occurrences in the general population are insufficient to allow any conclusion about variant significance. c.12G>T has been reported in the literature in at least one individual affected with Limb-Girdle Muscular Dystrophy without reported genotype (e.g. Alonso-Perez_2020). This report does not provide unequivocal conclusions about association of the variant with Limb-Girdle Muscular Dystrophy, Autosomal Recessive. To our knowledge, no experimental evidence demonstrating an impact on protein function has been reported. The following publication has been ascertained in the context of this evaluation (PMID: 32875335). No submitters have cited clinical-significance assessments for this variant to ClinVar. Based on the evidence outlined above, the variant was classified as uncertain significance.

Natera, Inc.
Classification: Uncertain significance for Limb-girdle muscular dystrophy type 2C. Last evaluated: 2025-02-14. Review status: no assertion criteria provided. Collection method: clinical testing. Allele origin: germline. Not counted in ClinVar's aggregate classification.

Literature cited by the submitters: PubMed 32875335 (cited by Women's Health and Genetics/Laboratory Corporation of America, LabCorp).

NM_000231.3(SGCG):c.12G>T (p.Glu4Asp)

Gene: SGCG (sarcoglycan gamma; plus strand). Cytogenetic location: 13q12.12.
Variant type: single nucleotide variant.
Coding change: c.12G>T on transcript NM_000231.3 (MANE Select); coding-DNA position 12, G replaced by T.
Protein change: p.Glu4Asp; replaces glutamic acid 4 with aspartic acid.
Molecular consequence: missense variant.
Genome position (GRCh38, 1-based): chr13:23,203,706, G>T. VCF-style: chr13-23203706-G-T. GRCh37 (hg19) VCF-style: chr13-23777845-G-T.
Other names: c.66G>T, p.Glu22Asp (NM_001378244.1); c.12G>T, p.Glu4Asp (NM_001378245.1, NM_001378246.1); short protein forms E22D, E4D.
Identifiers: ClinVar variation 3336518 (VCV003336518.2).